The following is an entry in ClinVar:

ClinVar aggregate classification (germline): Uncertain significance. Review status: criteria provided, multiple submitters, no conflicts (2 of 4 stars). 2 submissions from 2 submitters: Uncertain significance (2). Last evaluated 2025-07-03.

Conditions:
Inborn genetic diseases. Identifiers: MedGen C0950123, MeSH D030342.
VPS16-related disorder. Also called: VPS16-related condition.

gnomAD v4.1: 3 of 1,614,158 alleles (0.00019%); highest among the groups gnomAD compares: African/African-American, 0.004%; no homozygotes.

Submissions (2):

PreventionGenetics, part of Exact Sciences
Classification: Uncertain significance for VPS16-related condition. Last evaluated: 2025-07-03. Review status: criteria provided, single submitter. Criteria: ACMG Guidelines, 2015. Collection method: clinical testing. Allele origin: germline.
Comment: The VPS16 c.2042G>C variant is predicted to result in the amino acid substitution p.Arg681Pro. To our knowledge, this variant has not been reported in the literature or in a large population database (gnomAD), indicating this variant is rare. At this time, the clinical significance of this variant is uncertain due to the absence of conclusive functional and genetic evidence.

Ambry Genetics
Classification: Uncertain significance for Inborn genetic diseases. Last evaluated: 2021-07-13. Review status: criteria provided, single submitter. Criteria: Ambry Variant Classification Scheme 2023. Collection method: clinical testing. Allele origin: germline.

NM_022575.4(VPS16):c.2042G>C (p.Arg681Pro)

Genes: PTPRA (protein tyrosine phosphatase receptor type A; plus strand), VPS16 (VPS16 core subunit of CORVET and HOPS complexes; plus strand). Cytogenetic location: 20p13.
Variant type: single nucleotide variant.
Coding change: c.2042G>C on transcript NM_022575.4 (MANE Select); coding-DNA position 2042, G replaced by C.
Protein change: p.Arg681Pro; replaces arginine 681 with proline.
Molecular consequence: missense variant. On other transcripts: 5 prime UTR variant (1).
Genome position (GRCh38, 1-based): chr20:2,865,185, G>C. VCF-style: chr20-2865185-G-C. GRCh37 (hg19) VCF-style: chr20-2845831-G-C.
Other names: c.-261G>C (NM_002836.4); c.1610G>C, p.Arg537Pro (NM_080413.3); short protein forms R537P, R681P.
Identifiers: ClinVar variation 2389629 (VCV002389629.3), dbSNP rs752589076, ClinGen allele CA408062351.